The following is an entry in ClinVar:

ClinVar aggregate classification (germline): Conflicting classifications of pathogenicity. Review status: criteria provided, conflicting classifications (1 of 4 stars). 5 submissions from 5 submitters: Uncertain significance (1); Benign (2). 2 of the submissions do not count toward it. Last evaluated 2026-01-26.

Conditions:
COL4A3-related disorder. Also called: COL4A3-related condition; COL4A3-Related Disorders.
Alport syndrome. Also called: Hemorrhagic familial nephritis; Hemorrhagic hereditary nephritis; Congenital hereditary hematuria. Identifiers: Orphanet 63, MedGen C1567741, MONDO:0018965.

Allele frequency attached by ClinVar (database versions not stated): gnomAD 0.00013; TOPMed 0.00024; ExAC 0.00041; gnomAD exomes 0.00045.
gnomAD v4.1: 112 of 1,611,760 alleles (0.0069%); highest among the groups gnomAD compares: East Asian, 0.23%; no homozygotes.

Submissions (5):

Labcorp Genetics (formerly Invitae), Labcorp
Classification: Benign. Last evaluated: 2026-01-26. Review status: criteria provided, single submitter. Criteria: Invitae Variant Classification Sherloc (09022015). Collection method: clinical testing. Allele origin: germline.

GeneDx
Classification: Benign. Last evaluated: 2020-02-13. Review status: criteria provided, single submitter. Criteria: GeneDx Variant Classification Process June 2021. Collection method: clinical testing. Allele origin: germline. Affected: yes.

Illumina Laboratory Services, Illumina
Classification: Uncertain significance for Alport syndrome. Last evaluated: 2018-01-12. Review status: criteria provided, single submitter. Criteria: ICSL Variant Classification Criteria 13 December 2019. Collection method: clinical testing. Allele origin: germline.

Natera, Inc.
Classification: Benign for Alport syndrome. Last evaluated: 2020-09-16. Review status: no assertion criteria provided. Collection method: clinical testing. Allele origin: germline. Not counted in ClinVar's aggregate classification.

PreventionGenetics, part of Exact Sciences
Classification: Likely benign for COL4A3-related condition. Last evaluated: 2019-04-16. Review status: no assertion criteria provided. Collection method: clinical testing. Allele origin: germline. Not counted in ClinVar's aggregate classification.
Comment: This variant is classified as likely benign based on ACMG/AMP sequence variant interpretation guidelines (Richards et al. 2015 PMID: 25741868, with internal and published modifications).

NM_000091.5(COL4A3):c.688-8G>T

Genes: COL4A3 (collagen type IV alpha 3 chain; plus strand), MFF-DT (MFF divergent transcript; minus strand). Cytogenetic location: 2q36.3.
Variant type: single nucleotide variant.
Coding change: c.688-8G>T on transcript NM_000091.5 (MANE Select); 8 bases into the intron before coding-DNA position 688, G replaced by T.
Molecular consequence: intron variant.
Genome position (GRCh38, 1-based): chr2:227,253,553, G>T. VCF-style: chr2-227253553-G-T. GRCh37 (hg19) VCF-style: chr2-228118269-G-T.
Identifiers: ClinVar variation 334758 (VCV000334758.18), dbSNP rs748843785, ClinGen allele CA2146318.
Genomic context (GRCh38, chr2:227,253,553, plus strand): 5'-AAACGTAGTAACATTGAAATGTTGATGCTGTTGTTTATTTTCTCACTCCTGAGTGTTTTT[G>T]TCTTTAGGGTGTGAAAGGGTTAACAGGACCCCCGGGACCACCAGGAACAGTTATTGTGAC-3'